The following is an entry in ClinVar:

NM_001159699.2(FHL1):c.855G>A (p.Glu285=)

Gene: FHL1 (four and a half LIM domains 1; plus strand). Cytogenetic location: Xq26.3.
Variant type: single nucleotide variant.
Coding change: c.855G>A on transcript NM_001159699.2 (MANE Select); coding-DNA position 855, G replaced by A.
Protein change: p.Glu285=; no amino-acid change (glutamic acid 285 retained).
Molecular consequence: synonymous variant. On other transcripts: 3 prime UTR variant (6), non-coding transcript variant (1).
Genome position (GRCh38, 1-based): chrX:136,209,989, G>A. VCF-style: chrX-136209989-G-A. GRCh37 (hg19) VCF-style: chrX-135292148-G-A.
Other names: c.807G>A, p.Glu269= (NM_001159700.2, NM_001159704.1, NM_001167819.1 and 4 more transcripts); c.894G>A, p.Glu298= (NM_001159701.2); c.*35G>A (NM_001159702.3, NM_001159703.2, NM_001330659.2 and 3 more transcripts).
Identifiers: ClinVar variation 509345 (VCV000509345.5), dbSNP rs1556639756, ClinGen allele CA658799876.

ClinVar aggregate classification (germline): Likely benign. Review status: criteria provided, multiple submitters, no conflicts (2 of 4 stars). 3 submissions from 3 submitters: Likely benign (3). Last evaluated 2024-10-24.

Conditions:
X-linked myopathy with postural muscle atrophy. Also called: FHL1-Related Emery-Dreifuss Muscular Dystrophy, X-Linked. Identifiers: Orphanet 178461, MedGen C2678055, MONDO:0010401, OMIM 300696.

Allele frequency attached by ClinVar (database versions not stated): gnomAD exomes below 0.00001.
gnomAD v4.1: 1 of 1,211,540 alleles (0.000083%); highest among the groups gnomAD compares: Non-Finnish European, 0.00011%; no homozygotes.

Submissions (3):

Blueprint Genetics
Classification: Likely benign. Last evaluated: 2024-10-24. Review status: criteria provided, single submitter. Criteria: ACMG Guidelines, 2015. Collection method: clinical testing. Allele origin: germline.

Labcorp Genetics (formerly Invitae), Labcorp
Classification: Likely benign for X-linked myopathy with postural muscle atrophy. Last evaluated: 2022-10-19. Review status: criteria provided, single submitter. Criteria: Invitae Variant Classification Sherloc (09022015). Collection method: clinical testing. Allele origin: germline.

GeneDx
Classification: Likely benign. Last evaluated: 2017-05-01. Review status: criteria provided, single submitter. Criteria: GeneDx Variant Classification (06012015). Collection method: clinical testing. Allele origin: germline. Affected: yes.
Comment: This variant is considered likely benign or benign based on one or more of the following criteria: it is a conservative change, it occurs at a poorly conserved position in the protein, it is predicted to be benign by multiple in silico algorithms, and/or has population frequency not consistent with disease.